The following is an entry in ClinVar:

ClinVar aggregate classification (germline): Benign (0 of 4 stars; one submission).

Conditions:
PRR12-related disorder. Also called: PRR12-related condition.

Allele frequency attached by ClinVar (database versions not stated): gnomAD exomes 0.25484; ExAC 0.29820; ESP Exome Variant Server 0.32176; gnomAD 0.32991; TOPMed 0.33976; 1000 Genomes Project 0.35763; 1000 Genomes Project 30x 0.36790.
gnomAD v4.1: 423,247 of 1,612,888 alleles (26%); highest among the groups gnomAD compares: African/African-American, 52%; 61,013 homozygotes.

Submission:

PreventionGenetics, part of Exact Sciences
Classification: Benign for PRR12-related condition. Last evaluated: 2019-10-21. Review status: no assertion criteria provided. Collection method: clinical testing. Allele origin: germline.
Comment: This variant is classified as benign based on ACMG/AMP sequence variant interpretation guidelines (Richards et al. 2015 PMID: 25741868, with internal and published modifications).

NM_020719.3(PRR12):c.273T>C (p.Leu91=)

Gene: PRR12 (proline rich 12; plus strand). Cytogenetic location: 19q13.33.
Variant type: single nucleotide variant.
Coding change: c.273T>C on transcript NM_020719.3 (MANE Select); coding-DNA position 273, T replaced by C.
Protein change: p.Leu91=; no amino-acid change (leucine 91 retained).
Molecular consequence: synonymous variant.
Genome position (GRCh38, 1-based): chr19:49,594,527, T>C. VCF-style: chr19-49594527-T-C. GRCh37 (hg19) VCF-style: chr19-50097784-T-C.
Identifiers: ClinVar variation 3060389 (VCV003060389.2), dbSNP rs10414643, ClinGen allele CA9577598.